The following is an entry in ClinVar:

ClinVar aggregate classification (germline): Uncertain significance (1 of 4 stars; one submission).

gnomAD v4.1: 1 of 1,613,184 alleles (0.000062%); highest among the groups gnomAD compares: Non-Finnish European, 0.000085%; no homozygotes.

Submission:

GeneDx
Classification: Uncertain significance. Last evaluated: 2024-06-05. Review status: criteria provided, single submitter. Criteria: GeneDx Variant Classification Process June 2021. Collection method: clinical testing. Allele origin: germline. Affected: yes.
Comment: Not observed at significant frequency in large population cohorts (gnomAD); In silico analysis indicates that this missense variant does not alter protein structure/function; Has not been previously published as pathogenic or benign to our knowledge

NM_013450.4(BAZ2B):c.1276G>A (p.Glu426Lys)

Genes: BAZ2B (bromodomain adjacent to zinc finger domain 2B; minus strand), LOC126806391 (MED14-independent group 3 enhancer GRCh37_chr2:160294250-160295449; plus strand). Cytogenetic location: 2q24.2.
Variant type: single nucleotide variant.
Coding change: c.1276G>A on transcript NM_013450.4 (MANE Select); coding-DNA position 1276, G replaced by A.
Protein change: p.Glu426Lys; replaces glutamic acid 426 with lysine.
Molecular consequence: missense variant.
Genome position (GRCh38, 1-based): chr2:159,438,320, C>T on the plus strand (G>A on the coding strand, the complement: BAZ2B is on the minus strand). VCF-style: chr2-159438320-C-T. GRCh37 (hg19) VCF-style: chr2-160294831-C-T.
Other names: c.1270G>A, p.Glu424Lys (NM_001289975.1); c.1087G>A, p.Glu363Lys (NM_001329857.2); c.1276G>A, p.Glu426Lys (NM_001329858.2); short protein forms E363K, E424K, E426K.
Identifiers: ClinVar variation 3391560 (VCV003391560.1).